The following is an entry in ClinVar:

NM_001165963.4(SCN1A):c.4375A>G (p.Met1459Val)

Genes: SCN1A (sodium voltage-gated channel alpha subunit 1; minus strand), LOC102724058 (uncharacterized LOC102724058; plus strand). Cytogenetic location: 2q24.3.
Variant type: single nucleotide variant.
Coding change: c.4375A>G on transcript NM_001165963.4 (MANE Select); coding-DNA position 4375, A replaced by G.
Protein change: p.Met1459Val; replaces methionine 1459 with valine.
Molecular consequence: missense variant. On other transcripts: non-coding transcript variant (1).
Genome position (GRCh38, 1-based): chr2:165,998,139, T>C on the plus strand (A>G on the coding strand, the complement: SCN1A is on the minus strand). VCF-style: chr2-165998139-T-C. GRCh37 (hg19) VCF-style: chr2-166854649-T-C.
Other names: c.4291A>G, p.Met1431Val (NM_001165964.3, NM_001353957.2, NM_001353958.2); c.4375A>G, p.Met1459Val (NM_001202435.3, NM_001353948.2); c.4342A>G, p.Met1448Val (NM_001353949.2, NM_001353950.2, NM_001353951.2 and 2 more transcripts); c.4339A>G, p.Met1447Val (NM_001353954.2, NM_001353955.2); c.4288A>G, p.Met1430Val (NM_001353960.2); c.1933A>G, p.Met645Val (NM_001353961.2); short protein forms M1448V, M1459V, M645V, M1431V, M1447V, M1430V.
Identifiers: ClinVar variation 530492 (VCV000530492.9), dbSNP rs1553522451, ClinGen allele CA349049434.

ClinVar aggregate classification (germline): Uncertain significance (1 of 4 stars; one submission).

Conditions:
Early-infantile DEE. Also called: Early infantile epileptic encephalopathy; Early infantile epileptic encephalopathy with suppression bursts; Ohtahara syndrome. Identifiers: Orphanet 1934, MedGen C0393706, MONDO:0800491.

Submission:

Labcorp Genetics (formerly Invitae), Labcorp
Classification: Uncertain significance for Early-infantile DEE. Last evaluated: 2025-03-09. Review status: criteria provided, single submitter. Criteria: Invitae Variant Classification Sherloc (09022015). Collection method: clinical testing. Allele origin: germline.
Comment: This sequence change replaces methionine, which is neutral and non-polar, with valine, which is neutral and non-polar, at codon 1459 of the SCN1A protein (p.Met1459Val). This variant is not present in population databases (gnomAD no frequency). This variant has not been reported in the literature in individuals affected with SCN1A-related conditions. ClinVar contains an entry for this variant (Variation ID: 530492). Invitae Evidence Modeling of protein sequence and biophysical properties (such as structural, functional, and spatial information, amino acid conservation, physicochemical variation, residue mobility, and thermodynamic stability) indicates that this missense variant is expected to disrupt SCN1A protein function with a positive predictive value of 95%. In summary, the available evidence is currently insufficient to determine the role of this variant in disease. Therefore, it has been classified as a Variant of Uncertain Significance.